The following is an entry in ClinVar:

ClinVar aggregate classification (germline): Uncertain significance (1 of 4 stars; one submission).

gnomAD v4.1: 1 of 1,613,120 alleles (0.000062%); highest among the groups gnomAD compares: East Asian, 0.0022%; no homozygotes.

Submission:

Labcorp Genetics (formerly Invitae), Labcorp
Classification: Uncertain significance. Last evaluated: 2024-01-23. Review status: criteria provided, single submitter. Criteria: Invitae Variant Classification Sherloc (09022015). Collection method: clinical testing. Allele origin: germline.
Comment: This sequence change replaces arginine, which is basic and polar, with lysine, which is basic and polar, at codon 142 of the CNOT1 protein (p.Arg142Lys). This variant is not present in population databases (gnomAD no frequency). This variant has not been reported in the literature in individuals affected with CNOT1-related conditions. An algorithm developed to predict the effect of missense changes on protein structure and function (PolyPhen-2) suggests that this variant is likely to be tolerated. In summary, the available evidence is currently insufficient to determine the role of this variant in disease. Therefore, it has been classified as a Variant of Uncertain Significance.

NM_016284.5(CNOT1):c.425G>A (p.Arg142Lys)

Gene: CNOT1 (CCR4-NOT transcription complex subunit 1; minus strand). Cytogenetic location: 16q21.
Variant type: single nucleotide variant.
Coding change: c.425G>A on transcript NM_016284.5 (MANE Select); coding-DNA position 425, G replaced by A.
Protein change: p.Arg142Lys; replaces arginine 142 with lysine.
Molecular consequence: missense variant. On other transcripts: non-coding transcript variant (1).
Genome position (GRCh38, 1-based): chr16:58,587,209, C>T on the plus strand (G>A on the coding strand, the complement: CNOT1 is on the minus strand). VCF-style: chr16-58587209-C-T. GRCh37 (hg19) VCF-style: chr16-58621113-C-T.
Other names: c.425G>A, p.Arg142Lys (NM_001265612.2, NM_206999.3); short protein forms R142K.
Identifiers: ClinVar variation 3632855 (VCV003632855.2).
Genomic context (GRCh38, chr16:58,587,209, plus strand): 5'-CCCACGTATTTTAAAGTCTCACTTCGTGATATTTTTGGAAAAAGTAACTCACCGAAACCT[C>T]TAAGATCTGAGCTGGAAGAATTCAACAGGGCAAGGCCAAAAATTACCTGAAACAAGAAGG-3'
Protein context (NP_057368.3, residues 132-152): ALLNSSSSDL[Arg142Lys]GFAAQFIKQK